The following is an entry in ClinVar:

ClinVar aggregate classification (germline): Uncertain significance. Review status: criteria provided, multiple submitters, no conflicts (2 of 4 stars). 2 submissions from 2 submitters: Uncertain significance (2). Last evaluated 2024-12-30.

Conditions:
Hereditary cancer-predisposing syndrome. Also called: Neoplastic Syndromes, Hereditary; Tumor predisposition; Hereditary Cancer Syndrome; Hereditary neoplastic syndrome. Identifiers: Orphanet 140162, MedGen C0027672, MeSH D009386, MONDO:0015356.

Allele frequency attached by ClinVar (database versions not stated): gnomAD 0.00002; TOPMed 0.00002.
gnomAD v4.1: 5 of 1,533,898 alleles (0.00033%); highest among the groups gnomAD compares: African/African-American, 0.0069%; no homozygotes.

Submissions (2):

Ambry Genetics
Classification: Uncertain significance for Hereditary cancer-predisposing syndrome. Last evaluated: 2024-12-30. Review status: criteria provided, single submitter. Criteria: Ambry Variant Classification Scheme 2023. Collection method: clinical testing. Allele origin: germline.
Comment: The c.-1C>A variant is located in the 5' untranslated region (5&rsquo; UTR) of the FH gene. This variant results from a C to A substitution 1 bases upstream from the first translated codon. This nucleotide position is well conserved in available vertebrate species. Based on the available evidence, the clinical significance of this variant remains unclear.

GeneDx
Classification: Uncertain significance. Last evaluated: 2023-10-16. Review status: criteria provided, single submitter. Criteria: GeneDx Variant Classification Process June 2021. Collection method: clinical testing. Allele origin: germline. Affected: yes.
Comment: Has not been previously published as pathogenic or benign to our knowledge; Not observed at significant frequency in large population cohorts (gnomAD); Nucleotide is not conserved across species and the substitution has no predicted effect on splicing

NM_000143.4(FH):c.-1C>A

Gene: FH (fumarate hydratase; minus strand). Cytogenetic location: 1q43.
Variant type: single nucleotide variant.
Coding change: c.-1C>A on transcript NM_000143.4 (MANE Select); 1 bases upstream of the start codon, C replaced by A.
Molecular consequence: 5 prime UTR variant.
Genome position (GRCh38, 1-based): chr1:241,519,723, G>T on the plus strand (C>A on the coding strand, the complement: FH is on the minus strand). VCF-style: chr1-241519723-G-T. GRCh37 (hg19) VCF-style: chr1-241683023-G-T.
Identifiers: ClinVar variation 1784183 (VCV001784183.4), dbSNP rs954901711, ClinGen allele CA40338206.